The following is an entry in ClinVar:

NM_002439.5(MSH3):c.687T>G (p.Tyr229Ter)

Gene: MSH3 (mutS homolog 3; plus strand). Cytogenetic location: 5q14.1.
Variant type: single nucleotide variant.
Coding change: c.687T>G on transcript NM_002439.5 (MANE Select); coding-DNA position 687, T replaced by G.
Protein change: p.Tyr229Ter; replaces tyrosine 229 with a stop codon.
Molecular consequence: nonsense.
Genome position (GRCh38, 1-based): chr5:80,670,204, T>G. VCF-style: chr5-80670204-T-G. GRCh37 (hg19) VCF-style: chr5-79966023-T-G.
Other names: c.687T>G (NM_002439.3); short protein forms Y229*.
Identifiers: ClinVar variation 2762922 (VCV002762922.4), dbSNP rs2546721144, ClinGen allele CA360266765.

ClinVar aggregate classification (germline): Pathogenic. Review status: criteria provided, multiple submitters, no conflicts (2 of 4 stars). 2 submissions from 2 submitters: Pathogenic (2). Last evaluated 2026-04-17.

Conditions:
Hereditary cancer-predisposing syndrome. Also called: Tumor predisposition; Hereditary neoplastic syndrome; Neoplastic Syndromes, Hereditary; Hereditary Cancer Syndrome. Identifiers: Orphanet 140162, MedGen C0027672, MeSH D009386, MONDO:0015356.

Submissions (2):

Ambry Genetics
Classification: Pathogenic for Hereditary cancer-predisposing syndrome. Last evaluated: 2026-04-17. Review status: criteria provided, single submitter. Criteria: Ambry Variant Classification Scheme 2023. Collection method: clinical testing. Allele origin: germline.
Comment: The p.Y229* pathogenic mutation (also known as c.687T>G), located in coding exon 4 of the MSH3 gene, results from a T to G substitution at nucleotide position 687. This changes the amino acid from a tyrosine to a stop codon within coding exon 4. This variant is considered to be rare based on population cohorts in the Genome Aggregation Database (gnomAD). This variant is expected to result in loss of function by premature protein truncation or nonsense-mediated mRNA decay. As such, this variant is interpreted as a disease-causing mutation.

Labcorp Genetics (formerly Invitae), Labcorp
Classification: Pathogenic. Last evaluated: 2023-09-23. Review status: criteria provided, single submitter. Criteria: Invitae Variant Classification Sherloc (09022015). Collection method: clinical testing. Allele origin: germline.
Comment: For these reasons, this variant has been classified as Pathogenic. This variant has not been reported in the literature in individuals affected with MSH3-related conditions. This sequence change creates a premature translational stop signal (p.Tyr229*) in the MSH3 gene. It is expected to result in an absent or disrupted protein product. Loss-of-function variants in MSH3 are known to be pathogenic (PMID: 27476653, 37402566). This variant is not present in population databases (gnomAD no frequency).

Literature cited by the submitters: PubMed 27476653 (cited by Labcorp Genetics (formerly Invitae), Labcorp); PubMed 37402566 (cited by Labcorp Genetics (formerly Invitae), Labcorp).